The following is an entry in ClinVar:

ClinVar aggregate classification (germline): Uncertain significance (0 of 4 stars; one submission).

Conditions:
PLXNA4-related disorder. Also called: PLXNA4-related condition.

Submission:

PreventionGenetics, part of Exact Sciences
Classification: Uncertain significance for PLXNA4-related condition. Last evaluated: 2024-06-07. Review status: no assertion criteria provided. Collection method: clinical testing. Allele origin: germline.
Comment: The PLXNA4 c.539A>G variant is predicted to result in the amino acid substitution p.Asp180Gly. To our knowledge, this variant has not been reported in the literature or in a large population database, indicating this variant is rare. At this time, the clinical significance of this variant is uncertain due to the absence of conclusive functional and genetic evidence.

NM_020911.2(PLXNA4):c.539A>G (p.Asp180Gly)

Gene: PLXNA4 (plexin A4; minus strand). Cytogenetic location: 7q32.3.
Variant type: single nucleotide variant.
Coding change: c.539A>G on transcript NM_020911.2 (MANE Select); coding-DNA position 539, A replaced by G.
Protein change: p.Asp180Gly; replaces aspartic acid 180 with glycine.
Molecular consequence: missense variant.
Genome position (GRCh38, 1-based): chr7:132,508,155, T>C on the plus strand (A>G on the coding strand, the complement: PLXNA4 is on the minus strand). VCF-style: chr7-132508155-T-C. GRCh37 (hg19) VCF-style: chr7-132192914-T-C.
Other names: c.539A>G, p.Asp180Gly (NM_001105543.2, NM_001393897.1, NM_181775.4); short protein forms D180G.
Identifiers: ClinVar variation 3344476 (VCV003344476.1).